The following is an entry in ClinVar:

NM_001080516.2(GRXCR2):c.260T>G (p.Val87Gly)

Gene: GRXCR2 (glutaredoxin and cysteine rich domain containing 2; minus strand). Cytogenetic location: 5q32.
Variant type: single nucleotide variant.
Coding change: c.260T>G on transcript NM_001080516.2 (MANE Select); coding-DNA position 260, T replaced by G.
Protein change: p.Val87Gly; replaces valine 87 with glycine.
Molecular consequence: missense variant.
Genome position (GRCh38, 1-based): chr5:145,872,709, A>C on the plus strand (T>G on the coding strand, the complement: GRXCR2 is on the minus strand). VCF-style: chr5-145872709-A-C. GRCh37 (hg19) VCF-style: chr5-145252272-A-C.
Other names: short protein forms V87G.
Identifiers: ClinVar variation 1506112 (VCV001506112.8), dbSNP rs1284913994, ClinGen allele CA361878133.

ClinVar aggregate classification (germline): Uncertain significance (1 of 4 stars; one submission).

Allele frequency attached by ClinVar (database versions not stated): gnomAD exomes below 0.00001 and 0.00001; TOPMed 0.00002; gnomAD 0.00003.

Submission:

Labcorp Genetics (formerly Invitae), Labcorp
Classification: Uncertain significance. Last evaluated: 2022-06-13. Review status: criteria provided, single submitter. Criteria: Invitae Variant Classification Sherloc (09022015). Collection method: clinical testing. Allele origin: germline.
Comment: Algorithms developed to predict the effect of missense changes on protein structure and function are either unavailable or do not agree on the potential impact of this missense change (SIFT: "Deleterious"; PolyPhen-2: "Possibly Damaging"; Align-GVGD: "Class C0"). In summary, the available evidence is currently insufficient to determine the role of this variant in disease. Therefore, it has been classified as a Variant of Uncertain Significance. This variant has not been reported in the literature in individuals affected with GRXCR2-related conditions. This variant is present in population databases (no rsID available, gnomAD 0.007%). This sequence change replaces valine, which is neutral and non-polar, with glycine, which is neutral and non-polar, at codon 87 of the GRXCR2 protein (p.Val87Gly).